The following is an entry in ClinVar:

NM_000540.3(RYR1):c.283G>A (p.Gly95Arg)

Gene: RYR1 (ryanodine receptor 1; plus strand). Cytogenetic location: 19q13.2.
Variant type: single nucleotide variant.
Coding change: c.283G>A on transcript NM_000540.3 (MANE Select); coding-DNA position 283, G replaced by A.
Protein change: p.Gly95Arg; replaces glycine 95 with arginine.
Molecular consequence: missense variant.
Genome position (GRCh38, 1-based): chr19:38,443,570, G>A. VCF-style: chr19-38443570-G-A. GRCh37 (hg19) VCF-style: chr19-38934210-G-A.
Other names: c.283G>A, p.Gly95Arg (NM_001042723.2); c.283G>A (NM_000540.2); short protein forms G95R.
Identifiers: ClinVar variation 1043556 (VCV001043556.9), dbSNP rs768518462, ClinGen allele CA064091.
Genomic context (GRCh38, chr19:38,443,570, plus strand): 5'-GAGAGTCCGGGGATCTGTGCTTATTCTGTTCCCTCCCTCCCCCTGCAGTCATCCCAGGGC[G>A]GGGGACACAGGACGCTCCTGTATGGCCATGCCATCCTGCTCCGGCATGCACACAGCCGCA-3'
Protein context (NP_000531.2, residues 85-105): VEAGVESSQG[Gly95Arg]GHRTLLYGHA

ClinVar aggregate classification (germline): Uncertain significance. Review status: criteria provided, multiple submitters, no conflicts (2 of 4 stars). 5 submissions from 5 submitters: Uncertain significance (5). Last evaluated 2024-08-05.

Conditions:
RYR1-related disorder. Also called: RYR1-related condition; RYR1-related disorders. Identifiers: MedGen CN239331.
Malignant hyperthermia, susceptibility to, 1 (MHS1). Also called: Anesthesia related hyperthermia; Malignant hyperpyrexia; Fulminating hyperpyrexia; Pharmacogenic myopathy; RYR1-Related Malignant Hyperthermia Susceptibility; Malignant hyperthermia suceptibility 1. Identifiers: Orphanet 423, MedGen C2930980, MONDO:0007783, OMIM 145600.

Allele frequency attached by ClinVar (database versions not stated): gnomAD exomes 0.00001 and 0.00002; gnomAD 0.00003 and 0.00004; ExAC 0.00004; TOPMed 0.00004.

Submissions (5):

Labcorp Genetics (formerly Invitae), Labcorp
Classification: Uncertain significance for RYR1-related disorder. Last evaluated: 2024-08-05. Review status: criteria provided, single submitter. Criteria: Invitae Variant Classification Sherloc (09022015). Collection method: clinical testing. Allele origin: germline.
Comment: This sequence change replaces glycine, which is neutral and non-polar, with arginine, which is basic and polar, at codon 95 of the RYR1 protein (p.Gly95Arg). This variant is present in population databases (rs768518462, gnomAD 0.01%). This variant has not been reported in the literature in individuals affected with RYR1-related conditions. ClinVar contains an entry for this variant (Variation ID: 1043556). Advanced modeling of protein sequence and biophysical properties (such as structural, functional, and spatial information, amino acid conservation, physicochemical variation, residue mobility, and thermodynamic stability) has been performed at Invitae for this missense variant, however the output from this modeling did not meet the statistical confidence thresholds required to predict the impact of this variant on RYR1 protein function. In summary, the available evidence is currently insufficient to determine the role of this variant in disease. Therefore, it has been classified as a Variant of Uncertain Significance.

All of Us Research Program, National Institutes of Health
Classification: Uncertain significance for Malignant hyperthermia, susceptibility to, 1. Last evaluated: 2024-05-30. Review status: criteria provided, single submitter. Criteria: ACMG Guidelines, 2015. Collection method: clinical testing. Allele origin: germline. Inheritance: Autosomal dominant inheritance. Observed: 5 variant alleles, 5 heterozygotes.
Comment: This missense variant replaces glycine with arginine at codon 95 of the RYR1 protein. Computational prediction suggests that this variant may have deleterious impact on protein structure and function. To our knowledge, functional studies have not been reported for this variant. This variant has not been reported in individuals affected with RYR1-related disorders in the literature. This variant has been identified in 7/282194 chromosomes in the general population by the Genome Aggregation Database (gnomAD). The available evidence is insufficient to determine the role of this variant in disease conclusively. Therefore, this variant is classified as a Variant of Uncertain Significance.

This study involves interpretation of variants in research participants for the purpose of population health screening. Participant phenotype was not available at the time of variant classification. Additional details can be found in publication PMID: 35346344, PMCID: PMC8962531

Color Diagnostics, LLC DBA Color Health
Classification: Uncertain significance for Malignant hyperthermia, susceptibility to, 1. Last evaluated: 2024-05-13. Review status: criteria provided, single submitter. Criteria: ACMG Guidelines, 2015. Collection method: clinical testing. Allele origin: germline.
Comment: This missense variant replaces glycine with arginine at codon 95 of the RYR1 protein. Computational prediction suggests that this variant may have deleterious impact on protein structure and function. To our knowledge, functional studies have not been reported for this variant. This variant has not been reported in individuals affected with RYR1-related disorders in the literature. This variant has been identified in 7/282194 chromosomes in the general population by the Genome Aggregation Database (gnomAD). The available evidence is insufficient to determine the role of this variant in disease conclusively. Therefore, this variant is classified as a Variant of Uncertain Significance.

GeneDx
Classification: Uncertain significance. Last evaluated: 2023-07-27. Review status: criteria provided, single submitter. Criteria: GeneDx Variant Classification Process June 2021. Collection method: clinical testing. Allele origin: germline. Affected: yes.
Comment: Not observed at significant frequency in large population cohorts (gnomAD); In silico analysis supports that this missense variant has a deleterious effect on protein structure/function; Has not been previously published as pathogenic or benign to our knowledge; This variant is associated with the following publications: (PMID: 33767344)

Revvity Omics, Revvity
Classification: Uncertain significance. Last evaluated: 2023-05-29. Review status: criteria provided, single submitter. Criteria: ACMG Guidelines, 2015. Collection method: clinical testing. Allele origin: germline.